The following is an entry in ClinVar:

ClinVar aggregate classification (germline): Uncertain significance. Review status: criteria provided, multiple submitters, no conflicts (2 of 4 stars). 2 submissions from 2 submitters: Uncertain significance (2). Last evaluated 2023-08-03.

gnomAD v4.1: 17 of 1,612,800 alleles (0.0011%); highest among the groups gnomAD compares: East Asian, 0.0022%; no homozygotes.

Submissions (2):

GeneDx
Classification: Uncertain significance. Last evaluated: 2023-08-03. Review status: criteria provided, single submitter. Criteria: GeneDx Variant Classification Process June 2021. Collection method: clinical testing. Allele origin: germline. Affected: yes.
Comment: Not observed at significant frequency in large population cohorts (gnomAD); In silico analysis supports that this missense variant has a deleterious effect on protein structure/function; Has not been previously published as pathogenic or benign to our knowledge

Blueprint Genetics
Classification: Uncertain significance. Last evaluated: 2023-07-07. Review status: criteria provided, single submitter. Criteria: ACMG Guidelines, 2015. Collection method: clinical testing. Allele origin: germline.

NM_080680.3(COL11A2):c.4747G>A (p.Asp1583Asn)

Gene: COL11A2 (collagen type XI alpha 2 chain; minus strand). Cytogenetic location: 6p21.32.
Variant type: single nucleotide variant.
Coding change: c.4747G>A on transcript NM_080680.3 (MANE Select); coding-DNA position 4747, G replaced by A.
Protein change: p.Asp1583Asn; replaces aspartic acid 1583 with asparagine.
Molecular consequence: missense variant.
Genome position (GRCh38, 1-based): chr6:33,165,552, C>T on the plus strand (G>A on the coding strand, the complement: COL11A2 is on the minus strand). VCF-style: chr6-33165552-C-T. GRCh37 (hg19) VCF-style: chr6-33133329-C-T.
Other names: c.4567G>A, p.Asp1523Asn (NM_001424108.1); c.3901G>A, p.Asp1301Asn (NM_001424109.1); c.3721G>A, p.Asp1241Asn (NM_001424110.1, NM_001424111.1); c.2701G>A, p.Asp901Asn (NM_001424112.1); c.4426G>A, p.Asp1476Asn (NM_080679.3); c.4489G>A, p.Asp1497Asn (NM_080681.3); short protein forms D1241N, D1301N, D1476N, D1497N, D1523N, D1583N, D901N.
Identifiers: ClinVar variation 3341017 (VCV003341017.2).